The following is an entry in ClinVar:

ClinVar aggregate classification (germline): Uncertain significance. Review status: criteria provided, multiple submitters, no conflicts (2 of 4 stars). 2 submissions from 2 submitters: Uncertain significance (2). Last evaluated 2025-06-14.

gnomAD v4.1: 12 of 1,614,138 alleles (0.00074%); highest among the groups gnomAD compares: Non-Finnish European, 0.001%; no homozygotes.

Submissions (2):

Ambry Genetics
Classification: Uncertain significance. Last evaluated: 2025-06-14. Review status: criteria provided, single submitter. Criteria: Ambry Variant Classification Scheme 2023. Collection method: clinical testing. Allele origin: germline.
Comment: The p.D815E variant (also known as c.2445T>A), located in coding exon 1 of the MLH3 gene, results from a T to A substitution at nucleotide position 2445. The aspartic acid at codon 815 is replaced by glutamic acid, an amino acid with highly similar properties. This amino acid position is conserved. In addition, this alteration is predicted to be tolerated by in silico analysis. Based on the available evidence, the clinical significance of this variant remains unclear.

Center for Genomic Medicine, Rigshospitalet, Copenhagen University Hospital
Classification: Uncertain significance. Last evaluated: 2025-03-04. Review status: criteria provided, single submitter. Criteria: ACMG Guidelines, 2015. Collection method: clinical testing. Allele origin: germline.

NM_001040108.2(MLH3):c.2445T>A (p.Asp815Glu)

Gene: MLH3 (mutL homolog 3; minus strand). Cytogenetic location: 14q24.3.
Variant type: single nucleotide variant.
Coding change: c.2445T>A on transcript NM_001040108.2 (MANE Select); coding-DNA position 2445, T replaced by A.
Protein change: p.Asp815Glu; replaces aspartic acid 815 with glutamic acid.
Molecular consequence: missense variant.
Genome position (GRCh38, 1-based): chr14:75,047,211, A>T on the plus strand (T>A on the coding strand, the complement: MLH3 is on the minus strand). VCF-style: chr14-75047211-A-T. GRCh37 (hg19) VCF-style: chr14-75513914-A-T.
Other names: c.2445T>A, p.Asp815Glu (NM_014381.3); short protein forms D815E.
Identifiers: ClinVar variation 2576491 (VCV002576491.3), dbSNP rs2139562532, ClinGen allele CA390440449.